The following is an entry in ClinVar:

NM_133459.4(CCBE1):c.484C>T (p.Arg162Trp)

Gene: CCBE1 (collagen and calcium binding EGF domains 1; minus strand). Cytogenetic location: 18q21.32.
Variant type: single nucleotide variant.
Coding change: c.484C>T on transcript NM_133459.4 (MANE Select); coding-DNA position 484, C replaced by T.
Protein change: p.Arg162Trp; replaces arginine 162 with tryptophan.
Molecular consequence: missense variant.
Genome position (GRCh38, 1-based): chr18:59,466,808, G>A on the plus strand (C>T on the coding strand, the complement: CCBE1 is on the minus strand). VCF-style: chr18-59466808-G-A. GRCh37 (hg19) VCF-style: chr18-57134040-G-A.
Other names: c.484C>T (NM_133459.3); short protein forms R162W.
Identifiers: ClinVar variation 1349317 (VCV001349317.4), dbSNP rs562613006, ClinGen allele CA8980478.

ClinVar aggregate classification (germline): Uncertain significance. Review status: criteria provided, multiple submitters, no conflicts (2 of 4 stars). 2 submissions from 2 submitters: Uncertain significance (2). Last evaluated 2025-07-15.

Conditions:
Inborn genetic diseases. Identifiers: MedGen C0950123, MeSH D030342.

Allele frequency attached by ClinVar (database versions not stated): gnomAD exomes 0.00003 and 0.00008; ExAC 0.00007; gnomAD 0.00008; TOPMed 0.00009; 1000 Genomes Project 30x 0.00016; 1000 Genomes Project 0.00020.
gnomAD v4.1: 56 of 1,613,670 alleles (0.0035%); highest among the groups gnomAD compares: African/African-American, 0.02%; no homozygotes.

Submissions (2):

Ambry Genetics
Classification: Uncertain significance for Inborn genetic diseases. Last evaluated: 2025-07-15. Review status: criteria provided, single submitter. Criteria: Ambry Variant Classification Scheme 2023. Collection method: clinical testing. Allele origin: germline.

Labcorp Genetics (formerly Invitae), Labcorp
Classification: Uncertain significance. Last evaluated: 2021-08-24. Review status: criteria provided, single submitter. Criteria: Invitae Variant Classification Sherloc (09022015). Collection method: clinical testing. Allele origin: germline.
Comment: This sequence change replaces arginine with tryptophan at codon 162 of the CCBE1 protein (p.Arg162Trp). The arginine residue is moderately conserved and there is a moderate physicochemical difference between arginine and tryptophan. This variant is present in population databases (rs562613006, ExAC 0.03%). This variant has not been reported in the literature in individuals affected with CCBE1-related conditions. Algorithms developed to predict the effect of missense changes on protein structure and function are either unavailable or do not agree on the potential impact of this missense change (SIFT: "Deleterious"; PolyPhen-2: "Probably Damaging"; Align-GVGD: "Class C0"). In summary, the available evidence is currently insufficient to determine the role of this variant in disease. Therefore, it has been classified as a Variant of Uncertain Significance.